The following is an entry in ClinVar:

ClinVar aggregate classification (germline): Benign/Likely benign. Review status: criteria provided, multiple submitters, no conflicts (2 of 4 stars). 6 submissions from 6 submitters: Benign (1); Likely benign (5). Last evaluated 2025-11-09.

Conditions:
Hereditary nonpolyposis colorectal neoplasms. Identifiers: MedGen C0009405, MeSH D003123.
Lynch syndrome. Identifiers: Orphanet 144, MedGen C4552100, MONDO:0005835. Disease mechanism: loss of function.
Lynch syndrome 5 (LYNCH5). Also called: Colorectal cancer, hereditary nonpolyposis, type 5; Hereditary non-polyposis colorectal cancer, type 5. Identifiers: Orphanet 144, MedGen C1833477, MONDO:0013710, OMIM 614350. Disease mechanism: loss of function.
Hereditary cancer-predisposing syndrome. Also called: Hereditary Cancer Syndrome; Neoplastic Syndromes, Hereditary; Tumor predisposition; Hereditary neoplastic syndrome. Identifiers: Orphanet 140162, MedGen C0027672, MeSH D009386, MONDO:0015356.

Allele frequency attached by ClinVar (database versions not stated): gnomAD exomes below 0.00001; TOPMed below 0.00001; ExAC 0.00001.
gnomAD v4.1: 2 of 1,597,296 alleles (0.00013%); highest among the groups gnomAD compares: Non-Finnish European, 0.00017%; no homozygotes.

Submissions (6):

Labcorp Genetics (formerly Invitae), Labcorp
Classification: Likely benign for Hereditary nonpolyposis colorectal neoplasms. Last evaluated: 2025-11-09. Review status: criteria provided, single submitter. Criteria: Invitae Variant Classification Sherloc (09022015). Collection method: clinical testing. Allele origin: germline.

Myriad Genetics, Inc.
Classification: Benign for Lynch syndrome 5. Last evaluated: 2025-01-02. Review status: criteria provided, single submitter. Criteria: Myriad Autosomal Dominant, Autosomal Recessive and X-Linked Classification Criteria (2023). Collection method: clinical testing. Allele origin: unknown.
Comment: This variant is considered benign. This variant is a silent/synonymous amino acid change and it is not expected to impact splicing.

All of Us Research Program, National Institutes of Health
Classification: Likely benign for Lynch syndrome. Last evaluated: 2024-05-30. Review status: criteria provided, single submitter. Criteria: ACMG Guidelines, 2015. Collection method: clinical testing. Allele origin: germline. Inheritance: Autosomal dominant inheritance. Observed: 1 variant allele, 1 heterozygote.
Comment: This study involves interpretation of variants in research participants for the purpose of population health screening. Participant phenotype was not available at the time of variant classification. Additional details can be found in publication PMID: 35346344, PMCID: PMC8962531

Women's Health and Genetics/Laboratory Corporation of America, LabCorp
Classification: Likely benign. Last evaluated: 2023-08-07. Review status: criteria provided, single submitter. Criteria: LabCorp Variant Classification Summary - May 2015. Collection method: clinical testing. Allele origin: germline.

Color Diagnostics, LLC DBA Color Health
Classification: Likely benign for Hereditary cancer-predisposing syndrome. Last evaluated: 2017-05-15. Review status: criteria provided, single submitter. Criteria: ACMG Guidelines, 2015. Collection method: clinical testing. Allele origin: germline.

Ambry Genetics
Classification: Likely benign for Hereditary cancer-predisposing syndrome. Last evaluated: 2016-11-08. Review status: criteria provided, single submitter. Criteria: Ambry Variant Classification Scheme 2023. Collection method: clinical testing. Allele origin: germline.

NM_000179.3(MSH6):c.3066A>G (p.Glu1022=)

Gene: MSH6 (mutS homolog 6; plus strand). Cytogenetic location: 2p16.3.
Variant type: single nucleotide variant.
Coding change: c.3066A>G on transcript NM_000179.3 (MANE Select); coding-DNA position 3066, A replaced by G.
Protein change: p.Glu1022=; no amino-acid change (glutamic acid 1022 retained).
Molecular consequence: synonymous variant.
Genome position (GRCh38, 1-based): chr2:47,801,049, A>G. VCF-style: chr2-47801049-A-G. GRCh37 (hg19) VCF-style: chr2-48028188-A-G.
Other names: c.2676A>G, p.Glu892= (NM_001281492.2); c.2160A>G, p.Glu720= (NM_001281493.2, NM_001281494.2).
Identifiers: ClinVar variation 480926 (VCV000480926.21), dbSNP rs766709747, ClinGen allele CA070011.
Genomic context (GRCh38, chr2:47,801,049, plus strand): 5'-CTGTAAACGATACTGGACCAAAACTATTGAAAAGAAGTTGGCTAATCTCATAAATGCTGA[A>G]GAACGGAGGGATGTATCATTGAAGGACTGCATGCGGCGACTGTTCTATAACTTTGATAAA-3'
Protein context (NP_000170.1, residues 1012-1032): EKKLANLINA[Glu1022=]ERRDVSLKDC